The following is an entry in ClinVar:

ClinVar aggregate classification (germline): Uncertain significance. Review status: criteria provided, multiple submitters, no conflicts (2 of 4 stars). 2 submissions from 2 submitters: Uncertain significance (2). Last evaluated 2025-03-18.

Conditions:
Inborn genetic diseases. Identifiers: MedGen C0950123, MeSH D030342.

Allele frequency attached by ClinVar (database versions not stated): gnomAD exomes below 0.00001.

Submissions (2):

Ambry Genetics
Classification: Uncertain significance for Inborn genetic diseases. Last evaluated: 2025-03-18. Review status: criteria provided, single submitter. Criteria: Ambry Variant Classification Scheme 2023. Collection method: clinical testing. Allele origin: germline.

Labcorp Genetics (formerly Invitae), Labcorp
Classification: Uncertain significance. Last evaluated: 2022-10-13. Review status: criteria provided, single submitter. Criteria: Invitae Variant Classification Sherloc (09022015). Collection method: clinical testing. Allele origin: germline.
Comment: In summary, the available evidence is currently insufficient to determine the role of this variant in disease. Therefore, it has been classified as a Variant of Uncertain Significance. Advanced modeling of protein sequence and biophysical properties (such as structural, functional, and spatial information, amino acid conservation, physicochemical variation, residue mobility, and thermodynamic stability) performed at Invitae indicates that this missense variant is not expected to disrupt TMEM106B protein function. This variant has not been reported in the literature in individuals affected with TMEM106B-related conditions. This variant is not present in population databases (gnomAD no frequency). This sequence change replaces methionine, which is neutral and non-polar, with valine, which is neutral and non-polar, at codon 192 of the TMEM106B protein (p.Met192Val).

NM_001134232.2(TMEM106B):c.574A>G (p.Met192Val)

Gene: TMEM106B (transmembrane protein 106B; plus strand). Cytogenetic location: 7p21.3.
Variant type: single nucleotide variant.
Coding change: c.574A>G on transcript NM_001134232.2 (MANE Select); coding-DNA position 574, A replaced by G.
Protein change: p.Met192Val; replaces methionine 192 with valine.
Molecular consequence: missense variant.
Genome position (GRCh38, 1-based): chr7:12,229,811, A>G. VCF-style: chr7-12229811-A-G. GRCh37 (hg19) VCF-style: chr7-12269437-A-G.
Other names: c.574A>G (NM_018374.3); c.574A>G, p.Met192Val (NM_018374.4); short protein forms M192V.
Identifiers: ClinVar variation 2101969 (VCV002101969.5), dbSNP rs2534923626, ClinGen allele CA366857318.